The following is an entry in ClinVar:

ClinVar aggregate classification (germline): Conflicting classifications of pathogenicity. Review status: criteria provided, conflicting classifications (1 of 4 stars). 6 submissions from 6 submitters: Uncertain significance (1); Likely benign (5). Last evaluated 2026-01-05.

Conditions:
Inborn genetic diseases. Identifiers: MedGen C0950123, MeSH D030342.
Autosomal recessive limb-girdle muscular dystrophy type 2F (LGMDR6). Also called: MUSCULAR DYSTROPHY, LIMB-GIRDLE, AUTOSOMAL RECESSIVE 6; Muscular dystrophy limb-girdle with delta-sarcoglyan deficiency. Identifiers: Orphanet 219, MedGen C1832525, MONDO:0011028, OMIM 601287. Disease mechanism: Affects gamma-sarcoglycan and also disrupts the integrity of the entire sarcoglycan complex..

Allele frequency attached by ClinVar (database versions not stated): gnomAD 0.00001; gnomAD exomes 0.00001; ExAC 0.00002; TOPMed 0.00002.
gnomAD v4.1: 14 of 1,610,440 alleles (0.00087%); highest among the groups gnomAD compares: Middle Eastern, 0.016%; no homozygotes.

Submissions (6):

Labcorp Genetics (formerly Invitae), Labcorp
Classification: Likely benign for Autosomal recessive limb-girdle muscular dystrophy type 2F. Last evaluated: 2026-01-05. Review status: criteria provided, single submitter. Criteria: Invitae Variant Classification Sherloc (09022015). Collection method: clinical testing. Allele origin: germline.

Ambry Genetics
Classification: Likely benign for Inborn genetic diseases. Last evaluated: 2024-11-13. Review status: criteria provided, single submitter. Criteria: Ambry Variant Classification Scheme 2023. Collection method: clinical testing. Allele origin: germline.

Blueprint Genetics
Classification: Likely benign. Last evaluated: 2024-06-06. Review status: criteria provided, single submitter. Criteria: ACMG Guidelines, 2015. Collection method: clinical testing. Allele origin: germline.

Eurofins Ntd Llc (ga)
Classification: Uncertain significance. Last evaluated: 2018-03-23. Review status: criteria provided, single submitter. Criteria: EGL ClinVar v180209 classification definitions. Collection method: clinical testing. Allele origin: germline. Observed: 1 variant allele, 1 heterozygote.

GeneDx
Classification: Likely benign. Last evaluated: 2016-11-21. Review status: criteria provided, single submitter. Criteria: GeneDx Variant Classification (06012015). Collection method: clinical testing. Allele origin: germline. Affected: yes.
Comment: This variant is considered likely benign or benign based on one or more of the following criteria: it is a conservative change, it occurs at a poorly conserved position in the protein, it is predicted to be benign by multiple in silico algorithms, and/or has population frequency not consistent with disease.

Laboratory for Molecular Medicine, Mass General Brigham Personalized Medicine
Classification: Likely benign. Last evaluated: 2014-05-08. Review status: criteria provided, single submitter. Criteria: LMM Criteria. Collection method: clinical testing. Allele origin: germline. Observed: 1 variant allele.
Comment: Pro15Pro in exon 3 of SGCD: This variant is not expected to have clinical signif icance because it does not alter an amino acid residue and is not located within the splice consensus sequence.

NM_000337.6(SGCD):c.45T>A (p.Pro15=)

Gene: SGCD (sarcoglycan delta; plus strand). Cytogenetic location: 5q33.3.
Variant type: single nucleotide variant.
Coding change: c.45T>A on transcript NM_000337.6 (MANE Select); coding-DNA position 45, T replaced by A.
Protein change: p.Pro15=; no amino-acid change (proline 15 retained).
Molecular consequence: synonymous variant.
Genome position (GRCh38, 1-based): chr5:156,344,530, T>A. VCF-style: chr5-156344530-T-A. GRCh37 (hg19) VCF-style: chr5-155771540-T-A.
Other names: c.42T>A, p.Pro14= (NM_001128209.2); c.45T>A, p.Pro15= (NM_172244.3).
Identifiers: ClinVar variation 179738 (VCV000179738.19), dbSNP rs727505092, ClinGen allele CA185035.